The following is an entry in ClinVar:

NM_000487.6(ARSA):c.805_806insC (p.Asp269fs)

Gene: ARSA (arylsulfatase A; minus strand). Cytogenetic location: 22q13.33.
Variant type: Insertion.
Coding change: c.805_806insC on transcript NM_000487.6 (MANE Select); coding-DNA positions 805 to 806, C inserted.
Protein change: p.Asp269fs; shifts the reading frame from aspartic acid 269.
Molecular consequence: frameshift variant.
Genome position: GRCh38 VCF-style: chr22-50626639-T-TG. GRCh37 (hg19) VCF-style: chr22-51065067-T-TG.
Other names: c.547_548insC, p.Asp183fs (NM_001085428.3, NM_001362782.2); c.805_806insC, p.Asp269fs (NM_001085425.3, NM_001085426.3, NM_001085427.3); short protein forms D183fs, D269fs.
Identifiers: ClinVar variation 5011615 (VCV005011615.1).

ClinVar aggregate classification (germline): Pathogenic (1 of 4 stars; one submission).

Conditions:
Metachromatic leukodystrophy (MLD). Also called: ARSA DEFICIENCY; CEREBROSIDE SULFATASE DEFICIENCY; METACHROMATIC LEUKOENCEPHALOPATHY; SULFATIDE LIPIDOSIS; Cerebral sclerosis diffuse metachromatic form; Arylsulfatase A Deficiency. Identifiers: Orphanet 512, MedGen C0023522, MONDO:0018868, OMIM 250100.

Submission:

Myriad Genetics, Inc.
Classification: Pathogenic for Metachromatic leukodystrophy. Last evaluated: 2023-09-09. Review status: criteria provided, single submitter. Criteria: Myriad Autosomal Dominant, Autosomal Recessive and X-Linked Classification Criteria (2023). Collection method: clinical testing. Allele origin: unknown.
Comment: NM_000487.5(ARSA):c.805_806insC(D269Afs*6) is expected to be pathogenic in the context of metachromatic leukodystrophy. This variant is predicted to lead to an abnormal or absent protein product due to the creation of a premature termination codon in ARSA, a gene where loss-of-function variants are known to be pathogenic. Please note: this variant was assessed in the context of healthy population screening.